The following is an entry in ClinVar:

NM_001127464.1:c.6631A>G

Gene: ZNF469 (zinc finger protein 469; plus strand).
Variant type: single nucleotide variant.
Identifiers: ClinVar variation 4845003 (VCV004845003.1).

ClinVar aggregate classification (germline): Uncertain significance (1 of 4 stars; one submission).

Conditions:
Cardiovascular phenotype. Identifiers: MedGen CN230736.

Submission:

Ambry Genetics
Classification: Uncertain significance for Cardiovascular phenotype. Last evaluated: 2026-01-21. Review status: criteria provided, single submitter. Criteria: Ambry Variant Classification Scheme 2023. Collection method: clinical testing. Allele origin: germline.
Comment: The p.T2211A variant (also known as c.6631A>G), located in coding exon 2 of the ZNF469 gene, results from an A to G substitution at nucleotide position 6631. The threonine at codon 2211 is replaced by alanine, an amino acid with similar properties. This amino acid position is conserved. In addition, this alteration is predicted to be tolerated by in silico analysis. Based on the available evidence, the clinical significance of this variant remains unclear.